The following is an entry in ClinVar:

NM_172107.4(KCNQ2):c.807G>A (p.Trp269Ter)

Gene: KCNQ2 (potassium voltage-gated channel subfamily Q member 2; minus strand). Cytogenetic location: 20q13.33.
Variant type: single nucleotide variant.
Coding change: c.807G>A on transcript NM_172107.4 (MANE Select); coding-DNA position 807, G replaced by A.
Protein change: p.Trp269Ter; replaces tryptophan 269 with a stop codon.
Molecular consequence: nonsense.
Genome position (GRCh38, 1-based): chr20:63,442,415, C>T on the plus strand (G>A on the coding strand, the complement: KCNQ2 is on the minus strand). VCF-style: chr20-63442415-C-T. GRCh37 (hg19) VCF-style: chr20-62073768-C-T.
Other names: p.W269*:TGG>TGA; c.807G>A, p.Trp269Ter (NM_004518.6, NM_172106.3, NM_172108.5 and 1 more transcripts); short protein forms W269*.
Identifiers: ClinVar variation 21802 (VCV000021802.17), dbSNP rs118192208, ClinGen allele CA315395.

ClinVar aggregate classification (germline): Pathogenic. Review status: criteria provided, multiple submitters, no conflicts (2 of 4 stars). 4 submissions from 4 submitters: Pathogenic (3). 1 of the submissions does not count toward it. Last evaluated 2025-05-20.

Conditions:
Early-infantile DEE. Also called: Early infantile epileptic encephalopathy with suppression bursts; Ohtahara syndrome; Early infantile epileptic encephalopathy. Identifiers: Orphanet 1934, MedGen C0393706, MONDO:0800491.
Inborn genetic diseases. Identifiers: MedGen C0950123, MeSH D030342.
Seizures, benign familial neonatal, 1. Also called: Benign Neonatal Epilepsy 1; KCNQ2-Related Benign Familial Neonatal Epilepsy; KCNQ2-Related Self-Limited Familial Neonatal Epilepsy (SLFNE); Seizures, benign neonatal, 1. Identifiers: Orphanet 1949, MedGen C3149074, MONDO:0007365, OMIM 121200.

Allele frequency attached by ClinVar (database versions not stated): gnomAD exomes below 0.00001.
gnomAD v4.1: 1 of 1,613,884 alleles (0.000062%); highest among the groups gnomAD compares: Non-Finnish European, 0.000085%; no homozygotes.

Submissions (4):

GeneDx
Classification: Pathogenic. Last evaluated: 2025-05-20. Review status: criteria provided, single submitter. Criteria: GeneDx Variant Classification Process June 2021. Collection method: clinical testing. Allele origin: germline. Affected: yes.
Comment: Nonsense variant predicted to result in protein truncation or nonsense mediated decay in a gene for which loss of function is a known mechanism of disease; This variant is associated with the following publications: (PMID: 25525159, 18698150, 16686649, FANG2019[article], 34153113, 14534157, 27888506)

Labcorp Genetics (formerly Invitae), Labcorp
Classification: Pathogenic for Early-infantile DEE. Last evaluated: 2025-05-02. Review status: criteria provided, single submitter. Criteria: Invitae Variant Classification Sherloc (09022015). Collection method: clinical testing. Allele origin: germline.
Comment: This sequence change creates a premature translational stop signal (p.Trp269*) in the KCNQ2 gene. It is expected to result in an absent or disrupted protein product. Loss-of-function variants in KCNQ2 are known to be pathogenic (PMID: 14534157, 23692823, 27779742). This variant is present in population databases (rs118192208, gnomAD 0.0009%). This premature translational stop signal has been observed in individual(s) with clinical features of benign familial neonatal convulsions (PMID: 14534157). ClinVar contains an entry for this variant (Variation ID: 21802). For these reasons, this variant has been classified as Pathogenic.

Ambry Genetics
Classification: Pathogenic for Inborn genetic diseases. Last evaluated: 2019-01-15. Review status: criteria provided, single submitter. Criteria: Ambry Variant Classification Scheme 2023. Collection method: clinical testing. Allele origin: germline.
Comment: The p.W269* pathogenic mutation (also known as c.807G>A), located in coding exon 5 of the KCNQ2 gene, results from a G to A substitution at nucleotide position 807. This changes the amino acid from a tryptophan to a stop codon within coding exon 5. This variant was identified in two families with benign familial neonatal epilepsy (BFNE) and segregated with disease in 7 affected individuals in one family (Singh NA et al. Brain, 2003 Dec;126:2726-37; Sands TT et al. Epilepsia, 2016 12;57:2019-2030). In one family, two individuals also had seizures in adulthood (Singh NA et al. Brain, 2003 Dec;126:2726-37). In addition to the clinical data presented in the literature, this alteration is expected to result in loss of function by premature protein truncation or nonsense-mediated mRNA decay. As such, this alteration is interpreted as a disease-causing mutation.

GeneReviews
No classification provided. Condition: Seizures, benign familial neonatal, 1. Review status: no classification provided. Collection method: literature only. Allele origin: germline. Affected: yes. Not counted in ClinVar's aggregate classification.
Comment: BFNE (benign familial neonatal epilepsy). 1/7 late onset; 2/7 FS (febrile seizures)+GS (generalized seizures) in adulthood.

Literature cited by the submitters: PubMed 14534157 (cited by 3 submitters); PubMed 23692823 (cited by Labcorp Genetics (formerly Invitae), Labcorp); PubMed 27779742 (cited by Labcorp Genetics (formerly Invitae), Labcorp); PubMed 27888506 (cited by Ambry Genetics); NCBI Bookshelf NBK32534 (cited by GeneReviews).